The following is an entry in ClinVar:

ClinVar aggregate classification (germline): Likely pathogenic (1 of 4 stars; one submission).

Submission:

Labcorp Genetics (formerly Invitae), Labcorp
Classification: Likely pathogenic. Last evaluated: 2022-10-23. Review status: criteria provided, single submitter. Criteria: Invitae Variant Classification Sherloc (09022015). Collection method: clinical testing. Allele origin: germline.
Comment: This variant has not been reported in the literature in individuals affected with SLC12A6-related conditions. This sequence change affects a donor splice site in intron 10 of the SLC12A6 gene. It is expected to disrupt RNA splicing. Variants that disrupt the donor or acceptor splice site typically lead to a loss of protein function (PMID: 16199547), and loss-of-function variants in SLC12A6 are known to be pathogenic (PMID: 12368912, 16606917). This variant is not present in population databases (gnomAD no frequency). Algorithms developed to predict the effect of sequence changes on RNA splicing suggest that this variant may disrupt the consensus splice site. In summary, the currently available evidence indicates that the variant is pathogenic, but additional data are needed to prove that conclusively. Therefore, this variant has been classified as Likely Pathogenic.

Literature cited by the submitters: PubMed 16199547; PubMed 12368912; PubMed 16606917.

NM_001365088.1(SLC12A6):c.1492+1G>T

Gene: SLC12A6 (solute carrier family 12 member 6; minus strand). Cytogenetic location: 15q14.
Variant type: single nucleotide variant.
Coding change: c.1492+1G>T on transcript NM_001365088.1 (MANE Select); the canonical splice donor site of the intron after coding-DNA position 1492, G replaced by T.
Molecular consequence: splice donor variant.
Genome position (GRCh38, 1-based): chr15:34,250,898, C>A on the plus strand (G>T on the coding strand, the complement: SLC12A6 is on the minus strand). VCF-style: chr15-34250898-C-A. GRCh37 (hg19) VCF-style: chr15-34543099-C-A.
Other names: c.1465+1G>T (NM_001042496.2); c.1447+1G>T (NM_001042497.2); c.1492+1G>T (NM_133647.2); c.1339+1G>T (NM_005135.2); c.1315+1G>T (NM_001042495.2, NM_001042494.2).
Identifiers: ClinVar variation 2036564 (VCV002036564.4), dbSNP rs2509803787, ClinGen allele CA391606031.